The following is an entry in ClinVar:

ClinVar aggregate classification (germline): Conflicting classifications of pathogenicity. Review status: criteria provided, conflicting classifications (1 of 4 stars). 9 submissions from 9 submitters: Uncertain significance (8); Likely benign (1). Last evaluated 2026-01-26.

Conditions:
Hereditary cancer-predisposing syndrome. Also called: Tumor predisposition; Hereditary Cancer Syndrome; Hereditary neoplastic syndrome; Neoplastic Syndromes, Hereditary. Identifiers: Orphanet 140162, MedGen C0027672, MeSH D009386, MONDO:0015356.
Hereditary breast ovarian cancer syndrome. Also called: Breast and ovarian cancer; Hereditary breast and ovarian cancer syndrome; Hereditary breast and ovarian cancer; BRCA1- and BRCA2-Associated Hereditary Breast and Ovarian Cancer; Hereditary breast and ovarian cancer syndrome (HBOC); Hereditary breast and/or ovarian cancer syndrome. Identifiers: Orphanet 145, MedGen C0677776, MeSH D061325, MONDO:0003582. Disease mechanism: loss of function.
Breast-ovarian cancer, familial, susceptibility to, 2 (BROVCA2). Also called: BRCA2 Hereditary Breast and Ovarian Cancer. Identifiers: Orphanet 145, MedGen C2675520, MONDO:0012933, OMIM 612555. Disease mechanism: loss of function.

Submissions (9):

Labcorp Genetics (formerly Invitae), Labcorp
Classification: Uncertain significance for Hereditary breast ovarian cancer syndrome. Last evaluated: 2026-01-26. Review status: criteria provided, single submitter. Criteria: Invitae Variant Classification Sherloc (09022015). Collection method: clinical testing. Allele origin: germline.
Comment: This sequence change replaces leucine, which is neutral and non-polar, with phenylalanine, which is neutral and non-polar, at codon 2085 of the BRCA2 protein (p.Leu2085Phe). This variant is not present in population databases (gnomAD no frequency). This variant has not been reported in the literature in individuals affected with BRCA2-related conditions. ClinVar contains an entry for this variant (Variation ID: 182271). Invitae Evidence Modeling of protein sequence and biophysical properties (such as structural, functional, and spatial information, amino acid conservation, physicochemical variation, residue mobility, and thermodynamic stability) indicates that this missense variant is not expected to disrupt BRCA2 protein function with a negative predictive value of 95%. In summary, the available evidence is currently insufficient to determine the role of this variant in disease. Therefore, it has been classified as a Variant of Uncertain Significance.

Women's Health and Genetics/Laboratory Corporation of America, LabCorp
Classification: Uncertain significance. Last evaluated: 2024-04-29. Review status: criteria provided, single submitter. Criteria: LabCorp Variant Classification Summary - May 2015. Collection method: clinical testing. Allele origin: germline.

All of Us Research Program, National Institutes of Health
Classification: Uncertain significance for Breast-ovarian cancer, familial, susceptibility to, 2. Last evaluated: 2023-12-01. Review status: criteria provided, single submitter. Criteria: ACMG Guidelines, 2015. Collection method: clinical testing. Allele origin: germline. Inheritance: Autosomal dominant inheritance. Observed: 1 variant allele, 1 heterozygote.
Comment: This missense variant replaces leucine with phenylalanine at codon 2085 of the BRCA2 protein. Computational prediction suggests that this variant may not impact protein structure and function (internally defined REVEL score threshold <= 0.5, PMID: 27666373). To our knowledge, functional studies have not been reported for this variant. This variant has not been reported in individuals affected with hereditary cancer in the literature. This variant has not been identified in the general population by the Genome Aggregation Database (gnomAD). The available evidence is insufficient to determine the role of this variant in disease conclusively. Therefore, this variant is classified as a Variant of Uncertain Significance.

This study involves interpretation of variants in research participants for the purpose of population health screening. Participant phenotype was not available at the time of variant classification. Additional details can be found in publication PMID: 35346344, PMCID: PMC8962531

Ambry Genetics
Classification: Uncertain significance for Hereditary cancer-predisposing syndrome. Last evaluated: 2023-08-08. Review status: criteria provided, single submitter. Criteria: Ambry Variant Classification Scheme 2023. Collection method: clinical testing. Allele origin: germline.
Comment: The p.L2085F variant (also known as c.6255A>T), located in coding exon 10 of the BRCA2 gene, results from an A to T substitution at nucleotide position 6255. The leucine at codon 2085 is replaced by phenylalanine, an amino acid with highly similar properties. This amino acid position is not well conserved in available vertebrate species. In addition, this alteration is predicted to be tolerated by in silico analysis. Since supporting evidence is limited at this time, the clinical significance of this alteration remains unclear.

University of Washington Department of Laboratory Medicine, University of Washington
Classification: Likely benign for Hereditary cancer-predisposing syndrome. Last evaluated: 2023-03-23. Review status: criteria provided, single submitter. Criteria: Dines et al. (Genet Med. 2020). Collection method: curation. Allele origin: germline.
Comment: Missense variant in a coldspot region where missense variants are very unlikely to be pathogenic (PMID:31911673).

BRCA2 exon 11 coldspot. Reclassification based on statistical prior probability.

Sema4
Classification: Uncertain significance for Hereditary cancer-predisposing syndrome. Last evaluated: 2021-11-18. Review status: criteria provided, single submitter. Criteria: Sema4 Curation Guidelines. Collection method: curation. Allele origin: germline.
Comment: The BRCA2 c.6255A>T (p.L2085F) variant has not been reported in the literature to our knowledge. This variant is not reported in the large and broad cohorts of the Genome Aggregation Database (PMID: 32461654). This variant has been reported in ClinVar (Variation ID 182271). In silico tools suggest the impact of the variant on protein function is benign, though these predictions have not been confirmed by functional studies. The overall evidence is insufficient to meet ACMG/AMP criteria for classifying it as benign or pathogenic. In summary, the clinical significance of this variant is currently uncertain.

GeneDx
Classification: Uncertain significance. Last evaluated: 2018-08-07. Review status: criteria provided, single submitter. Criteria: GeneDx Variant Classification (06012015). Collection method: clinical testing. Allele origin: germline. Affected: yes.
Comment: This variant is denoted BRCA2 c.6255A>T at the cDNA level, p.Leu2085Phe (L2085F) at the protein level, and results in the change of a Leucine to a Phenylalanine (TTA>TTT). Using alternate nomenclature, this variant would be defined as BRCA2 6483A>T. This variant has not, to our knowledge, been published in the literature as a pathogenic or benign germline variant. BRCA2 Leu2085Phe was not observed in large population cohorts (Lek 2016). This variant is located in the BRC8 domain (Cole 2011). In silico analysis, which includes protein predictors and evolutionary conservation, supports that this variant does not alter protein structure/function. Based on currently available evidence, it is unclear whether BRCA2 Leu2085Phe is a pathogenic or benign variant. We consider it to be a variant of uncertain significance.

Quest Diagnostics Nichols Institute San Juan Capistrano
Classification: Uncertain significance. Last evaluated: 2017-08-28. Review status: criteria provided, single submitter. Criteria: Quest Diagnostics criteria. Collection method: clinical testing. Allele origin: germline.

ARUP Laboratories, Molecular Genetics and Genomics, ARUP Laboratories
Classification: Uncertain significance. Last evaluated: 2017-05-22. Review status: criteria provided, single submitter. Criteria: ARUP Molecular Germline Variant Investigation Process. Collection method: clinical testing. Allele origin: germline.

NM_000059.4(BRCA2):c.6255A>T (p.Leu2085Phe)

Gene: BRCA2 (BRCA2 DNA repair associated; plus strand). Cytogenetic location: 13q13.1.
Variant type: single nucleotide variant.
Coding change: c.6255A>T on transcript NM_000059.4 (MANE Select); coding-DNA position 6255, A replaced by T.
Protein change: p.Leu2085Phe; replaces leucine 2085 with phenylalanine.
Molecular consequence: missense variant.
Genome position (GRCh38, 1-based): chr13:32,340,610, A>T. VCF-style: chr13-32340610-A-T. GRCh37 (hg19) VCF-style: chr13-32914747-A-T.
Other names: p.L2085F:TTA>TTT; short protein forms L2085F.
Identifiers: ClinVar variation 182271 (VCV000182271.27), dbSNP rs730881579, ClinGen allele CA023790.